The following is an entry in ClinVar:

NM_001281740.3(FHOD3):c.1646+1G>A

Gene: FHOD3 (formin homology 2 domain containing 3; plus strand). Cytogenetic location: 18q12.2.
Variant type: single nucleotide variant.
Coding change: c.1646+1G>A on transcript NM_001281740.3 (MANE Select); the canonical splice donor site of the intron after coding-DNA position 1646, G replaced by A.
Molecular consequence: splice donor variant. On other transcripts: intron variant (2).
Genome position (GRCh38, 1-based): chr18:36,652,930, G>A. VCF-style: chr18-36652930-G-A. GRCh37 (hg19) VCF-style: chr18-34232893-G-A.
Other names: c.1197-5145G>A (NM_025135.5, NM_001281739.3).
Identifiers: ClinVar variation 977175 (VCV000977175.4), dbSNP rs2036163874, ClinGen allele CA402207349.

ClinVar aggregate classification (germline): Uncertain significance. Review status: criteria provided, multiple submitters, no conflicts (2 of 4 stars). 3 submissions from 3 submitters: Uncertain significance (2). 1 of the submissions does not count toward it. Last evaluated 2024-03-26.

Conditions:
Cardiomyopathy, familial hypertrophic, 28. Identifiers: MedGen C5543616, MONDO:0030317, OMIM 619402.
Hypertrophic cardiomyopathy. Also called: HYPERTROPHIC MYOCARDIOPATHY. Identifiers: Orphanet 217569, MedGen C0007194, MeSH D002312, MONDO:0005045, HP:0001639.

Allele frequency attached by ClinVar (database versions not stated): gnomAD exomes below 0.00001.
gnomAD v4.1: 1 of 1,528,782 alleles (0.000065%); highest among the groups gnomAD compares: Non-Finnish European, 0.000088%; no homozygotes.

Submissions (3):

Foundation for Research in Genetics and Endocrinology, FRIGE's Institute of Human Genetics
Classification: Uncertain significance for Cardiomyopathy, familial hypertrophic, 28. Last evaluated: 2024-03-26. Review status: criteria provided, single submitter. Criteria: ACMG Guidelines, 2015. Collection method: clinical testing. Allele origin: germline. Inheritance: Autosomal dominant inheritance. Affected: yes. Observed: 1 heterozygote.
Comment: A heterozygous 5’ splice site variant in intron 12 of the FHOD3 gene that affects the invariant GT donor splice site downstream of exon 12 was detected. The observed variant has previously been reported in patients affected with left ventricular noncompaction [PMID: 35205353] and is a variant of uncertain significance according to ClinVar database. The variant has not been reported in the 1000 genomes, gnomAD (v3.1), gnomdAD (v2.1), topmed and our internal databases. The in-silico prediction of the variant is damaging by MutationTaster2. The reference base is conserved across species. In summary, the variant meets our criteria to be classified as variant of uncertain significance.

Blueprint Genetics
Classification: Uncertain significance. Last evaluated: 2022-06-21. Review status: criteria provided, single submitter. Criteria: ACMG Guidelines, 2015. Collection method: clinical testing. Allele origin: germline.

Agnes Ginges Centre for Molecular Cardiology, Centenary Institute
Classification: Uncertain significance for Hypertrophic cardiomyopathy. Last evaluated: 2019-03-19. Review status: no assertion criteria provided. Collection method: research. Allele origin: germline. Inheritance: Autosomal dominant inheritance. Affected: yes. Not counted in ClinVar's aggregate classification.
Comment: This variant has been identified as part of our research program. For further information please feel free to contact us.